The following is an entry in ClinVar:

ClinVar aggregate classification (germline): Uncertain significance (1 of 4 stars; one submission).

Conditions:
BBS4-related disorder. Also called: BBS4-related condition.

Submission:

PreventionGenetics, part of Exact Sciences
Classification: Uncertain significance for BBS4-related condition. Last evaluated: 2025-01-15. Review status: criteria provided, single submitter. Criteria: ACMG Guidelines, 2015. Collection method: clinical testing. Allele origin: germline.
Comment: The BBS4 c.374A>G variant is predicted to result in the amino acid substitution p.Asn125Ser. To our knowledge, this variant has not been reported in the literature or in a large population database (gnomAD), indicating this variant is rare. At this time, the clinical significance of this variant is uncertain due to the absence of conclusive functional and genetic evidence.

NM_033028.5(BBS4):c.374A>G (p.Asn125Ser)

Gene: BBS4 (Bardet-Biedl syndrome 4; plus strand). Cytogenetic location: 15q24.1.
Variant type: single nucleotide variant.
Coding change: c.374A>G on transcript NM_033028.5 (MANE Select); coding-DNA position 374, A replaced by G.
Protein change: p.Asn125Ser; replaces asparagine 125 with serine.
Molecular consequence: missense variant. On other transcripts: 5 prime UTR variant (1), non-coding transcript variant (2).
Genome position (GRCh38, 1-based): chr15:72,716,819, A>G. VCF-style: chr15-72716819-A-G. GRCh37 (hg19) VCF-style: chr15-73009160-A-G.
Other names: c.-148A>G (NM_001252678.2); c.374A>G, p.Asn125Ser (NM_001320665.2); short protein forms N125S.
Identifiers: ClinVar variation 4998813 (VCV004998813.1).
Genomic context (GRCh38, chr15:72,716,819, plus strand): 5'-GAAAATATATCTTTTACAGATTTCTTTTGGGAAAACATAAAGCTGCCATTGAAGTATATA[A>G]TGAAGCAGCTAAACTCAACCAGAAAGATTGGGTAAGTAGAGAACTTTCAGTTCTTTCTTA-3'
Protein context (NP_149017.2, residues 115-135): GKHKAAIEVY[Asn125Ser]EAAKLNQKDW